The following is an entry in ClinVar:

NM_001244008.2(KIF1A):c.3810C>T (p.Leu1270=)

Genes: KIF1A (kinesin family member 1A; minus strand), LOC126806583 (P300/CBP strongly-dependent group 1 enhancer GRCh37_chr2:241678910-241680109; plus strand). Cytogenetic location: 2q37.3.
Variant type: single nucleotide variant.
Coding change: c.3810C>T on transcript NM_001244008.2 (MANE Select); coding-DNA position 3810, C replaced by T.
Protein change: p.Leu1270=; no amino-acid change (leucine 1270 retained).
Molecular consequence: synonymous variant.
Genome position (GRCh38, 1-based): chr2:240,740,304, G>A on the plus strand (C>T on the coding strand, the complement: KIF1A is on the minus strand). VCF-style: chr2-240740304-G-A. GRCh37 (hg19) VCF-style: chr2-241679721-G-A.
Other names: c.3534C>T, p.Leu1178= (NM_001320705.2, NM_001330289.2, NM_001379638.1); c.3609C>T, p.Leu1203= (NM_001330290.2, NM_001379634.1, NM_001379635.1 and 1 more transcripts); c.3885C>T, p.Leu1295= (NM_001379631.1); c.3759C>T, p.Leu1253= (NM_001379632.1); c.3783C>T, p.Leu1261= (NM_001379633.1, NM_001379642.1, NM_001379645.1); c.3507C>T, p.Leu1169= (NM_001379636.1, NM_001379639.1, NM_001379641.1 and 5 more transcripts); c.3582C>T, p.Leu1194= (NM_001379637.1, NM_001379648.1); c.3504C>T, p.Leu1168= (NM_001379640.1); and 1 more.
Identifiers: ClinVar variation 1576086 (VCV001576086.9), dbSNP rs542607961, ClinGen allele CA2207642.
Genomic context (GRCh38, chr2:240,740,304, plus strand): 5'-CTGGTGGGGTGGGGGAGGGGACACAGGCAGGGTAGGGGCAAGAGGGGCTCACACCTGGTG[G>A]AGGAGGAAGGTCCCCATGCATGGCATGCCCCCACGGTGGTCCACCACGGCCGGGATGTAA-3'
Protein context (NP_001230937.1, residues 1260-1280): GGMPCMGTFL[Leu1270=]HQGIQRRITV

ClinVar aggregate classification (germline): Likely benign. Review status: criteria provided, multiple submitters, no conflicts (2 of 4 stars). 2 submissions from 2 submitters: Likely benign (2). Last evaluated 2026-02-25.

Conditions:
Hereditary spastic paraplegia 30. Identifiers: Orphanet 101010, MedGen C5235139, MONDO:0012476.
Neuropathy, hereditary sensory, type 2C. Also called: Hereditary sensory and autonomic neuropathy type IIC; KIF1A-Related HSAN2 (HSAN2C). Identifiers: Orphanet 970, MedGen C3280168, MONDO:0013634, OMIM 614213.
Intellectual disability, autosomal dominant 9 (NESCAVS). Also called: NESCAV SYNDROME; KIF1A-Related Neurodevelopmental Disorder. Identifiers: Orphanet 662367, MedGen C5393830, MONDO:0013656, OMIM 614255.
KIF1A-related disorder. Also called: KIF1A-related disorders; KIF1A-related condition.

Allele frequency attached by ClinVar (database versions not stated): gnomAD 0.00002 and 0.00003; gnomAD exomes 0.00002; ExAC 0.00003; TOPMed 0.00005; 1000 Genomes Project 0.00040; 1000 Genomes Project 30x 0.00047.
gnomAD v4.1: 7 of 1,613,376 alleles (0.00043%); highest among the groups gnomAD compares: African/African-American, 0.008%; no homozygotes.

Submissions (2):

PreventionGenetics, part of Exact Sciences
Classification: Likely benign for KIF1A-related condition. Last evaluated: 2026-02-25. Review status: criteria provided, single submitter. Criteria: ACMG Guidelines, 2015. Collection method: clinical testing. Allele origin: germline.
Comment: This variant is classified as likely benign based on ACMG/AMP sequence variant interpretation guidelines (Richards et al. 2015 PMID: 25741868, with internal and published modifications).

Labcorp Genetics (formerly Invitae), Labcorp
Classification: Likely benign for Hereditary spastic paraplegia 30; Neuropathy, hereditary sensory, type 2C; Intellectual disability, autosomal dominant 9. Last evaluated: 2025-11-09. Review status: criteria provided, single submitter. Criteria: Invitae Variant Classification Sherloc (09022015). Collection method: clinical testing. Allele origin: germline.